The following is an entry in ClinVar:

NM_006269.2(RP1):c.4555del (p.Arg1519fs)

Gene: RP1 (RP1 axonemal microtubule associated; plus strand). Cytogenetic location: 8q12.1.
Variant type: Deletion.
Coding change: c.4555del on transcript NM_006269.2 (MANE Select); coding-DNA position 4555, one base deleted (A; older notation c.4555delA).
Protein change: p.Arg1519fs; shifts the reading frame from arginine 1519.
Molecular consequence: frameshift variant.
Genome position (GRCh38, 1-based): chr8:54,628,437, A deleted; the last of 6 consecutive A bases (chr8:54,628,432-54,628,437); deleting any one gives the same sequence. VCF-style (leftmost placement, unchanged base first): chr8-54628431-GA-G. GRCh37 (hg19) VCF-style: chr8-55540991-GA-G.
Other names: NC_000008.10:g.55540997del; NP_006260.1:p.(Arg1519GlufsTer2); short protein forms R1519fs.
Identifiers: ClinVar variation 197271 (VCV000197271.6), dbSNP rs794727640, ClinGen allele CA275258.
Genomic context (GRCh38, chr8:54,628,431, plus strand): 5'-GAGGTAGAGGCTAGTAAAACTTTAGAATTGATAGACATCTCTAGTAAGAATATTATGGAA[GA>G]AAAAAGAATGAACGGTATAATTTATGAAATAATCAGTAAGAGGCTGGCAACACCACCATC-3'

ClinVar aggregate classification (germline): Pathogenic/Likely pathogenic. Review status: criteria provided, multiple submitters, no conflicts (2 of 4 stars). 2 submissions from 2 submitters: Pathogenic (1); Likely pathogenic (1). Last evaluated 2024-05-27.

Conditions:
Retinal dystrophy. Also called: Inherited retinal dystrophy. Identifiers: Orphanet 71862, MedGen C0854723, MeSH D058499, MONDO:0019118, HP:0000556.

Submissions (2):

Ophthalmic Genetics Group, Institute of Molecular and Clinical Ophthalmology Basel
Classification: Likely pathogenic for Retinal dystrophy. Last evaluated: 2024-05-27. Review status: criteria provided, single submitter. Criteria: ACMG Guidelines, 2015. Collection method: research. Allele origin: germline. Affected: yes. Observed: 2 variant alleles.
Comment: This variant was classified as Likely pathogenic based on ACMG criteria: PSV1_strong, PM2_mod and PP5_sup

Eurofins Ntd Llc (ga)
Classification: Pathogenic. Last evaluated: 2015-10-19. Review status: criteria provided, single submitter. Criteria: EGL Classification Definitions 2015. Collection method: clinical testing. Allele origin: germline. Observed: 2 variant alleles, 2 heterozygotes.

Literature cited by the submitters: PubMed 28418496 (cited by Ophthalmic Genetics Group, Institute of Molecular and Clinical Ophthalmology Basel); PubMed 40180963 (cited by Ophthalmic Genetics Group, Institute of Molecular and Clinical Ophthalmology Basel).